The following is an entry in ClinVar:

ClinVar aggregate classification (germline): Pathogenic (1 of 4 stars; one submission).

gnomAD v4.1: 20 of 1,613,924 alleles (0.0012%); highest among the groups gnomAD compares: Non-Finnish European, 0.0016%; no homozygotes.

Submission:

Labcorp Genetics (formerly Invitae), Labcorp
Classification: Pathogenic. Last evaluated: 2023-07-31. Review status: criteria provided, single submitter. Criteria: Invitae Variant Classification Sherloc (09022015). Collection method: clinical testing. Allele origin: germline.
Comment: This sequence change creates a premature translational stop signal (p.Tyr225*) in the CANT1 gene. It is expected to result in an absent or disrupted protein product. Loss-of-function variants in CANT1 are known to be pathogenic (PMID: 19853239, 21037275, 22539336). For these reasons, this variant has been classified as Pathogenic. ClinVar contains an entry for this variant (Variation ID: 1456837). This variant has not been reported in the literature in individuals affected with CANT1-related conditions. This variant is present in population databases (no rsID available, gnomAD 0.0009%).

Literature cited by the submitters: PubMed 19853239; PubMed 21037275; PubMed 22539336.

NM_001159773.2(CANT1):c.675C>G (p.Tyr225Ter)

Gene: CANT1 (calcium activated nucleotidase 1; minus strand). Cytogenetic location: 17q25.3.
Variant type: single nucleotide variant.
Coding change: c.675C>G on transcript NM_001159773.2 (MANE Select); coding-DNA position 675, C replaced by G.
Protein change: p.Tyr225Ter; replaces tyrosine 225 with a stop codon.
Molecular consequence: nonsense.
Genome position (GRCh38, 1-based): chr17:78,995,178, G>C on the plus strand (C>G on the coding strand, the complement: CANT1 is on the minus strand). VCF-style: chr17-78995178-G-C. GRCh37 (hg19) VCF-style: chr17-76991260-G-C.
Other names: c.675C>G, p.Tyr225Ter (NM_001159772.2, NM_138793.4); short protein forms Y225*.
Identifiers: ClinVar variation 1456837 (VCV001456837.6), dbSNP rs780527463, ClinGen allele CA401307313.